The following is an entry in ClinVar:

NM_001267550.2(TTN):c.73105_73115del (p.Glu24369fs)

Genes: TTN (titin; minus strand), TTN-AS1 (TTN antisense RNA 1; plus strand). Cytogenetic location: 2q31.2.
Variant type: Deletion.
Coding change: c.73105_73115del on transcript NM_001267550.2 (MANE Select); coding-DNA positions 73105 to 73115, 11 bases deleted (GAATGGCAGAT).
Protein change: p.Glu24369fs; shifts the reading frame from glutamic acid 24369.
Molecular consequence: frameshift variant.
Genome position (GRCh38, 1-based): chr2:178,573,017-178,573,027, ATCTGCCATTC deleted on the plus strand (GAATGGCAGAT on the coding strand, the reverse complement: TTN is on the minus strand); deleting any 11 consecutive bases within chr2:178,573,017-178,573,031 gives the same sequence; the c. name uses the placement nearest the transcript's 3' end. VCF-style (leftmost placement, unchanged base first): chr2-178573016-AATCTGCCATTC-A. GRCh37 (hg19) VCF-style: chr2-179437743-AATCTGCCATTC-A.
Other names: c.68182_68192del, p.Glu22728fs (NM_001256850.1); c.45910_45920del, p.Glu15304fs (NM_003319.4); c.65401_65411del, p.Glu21801fs (NM_133378.4); c.46285_46295del, p.Glu15429fs (NM_133432.3); c.46486_46496del, p.Glu15496fs (NM_133437.4); short protein forms E15304fs, E15429fs, E15496fs, E21801fs, E22728fs, E24369fs.
Identifiers: ClinVar variation 1066877 (VCV001066877.9), dbSNP rs2154170535, ClinGen allele CA2499215369.

ClinVar aggregate classification (germline): Likely pathogenic (1 of 4 stars; one submission).

Conditions:
Dilated cardiomyopathy 1G (CMD1G). Identifiers: Orphanet 154, MedGen C1858763, MONDO:0011400, OMIM 604145.
Autosomal recessive limb-girdle muscular dystrophy type 2J (LGMDR10). Also called: Limb-girdle muscular dystrophy, type 2J; MUSCULAR DYSTROPHY, LIMB-GIRDLE, AUTOSOMAL RECESSIVE 10. Identifiers: Orphanet 140922, MedGen C1837342, MONDO:0012127, OMIM 608807.

Submission:

Labcorp Genetics (formerly Invitae), Labcorp
Classification: Likely pathogenic for Dilated cardiomyopathy 1G; Autosomal recessive limb-girdle muscular dystrophy type 2J. Last evaluated: 2020-03-10. Review status: criteria provided, single submitter. Criteria: Invitae Variant Classification Sherloc (09022015). Collection method: clinical testing. Allele origin: germline.
Comment: This sequence change results in a premature translational stop signal in the TTN gene (p.Glu24369Cysfs*24). While this is not anticipated to result in nonsense mediated decay, it is expected to create a truncated TTN protein. This variant is not present in population databases (ExAC no frequency). This variant has not been reported in the literature in individuals with TTN-related conditions. This variant is located in the A band of TTN (PMID: 25589632). Truncating variants in this region are significantly overrepresented in patients affected with dilated cardiomyopathy (PMID: 25589632). Truncating variants in this region have also been reported in individuals affected with autosomal recessive centronuclear myopathy (PMID: 23975875). In summary, the currently available evidence indicates that the variant is pathogenic, but additional data are needed to prove that conclusively. Therefore, this variant has been classified as Likely Pathogenic.

Literature cited by the submitters: PubMed 25589632; PubMed 23975875.